The following is an entry in ClinVar:

NM_001349206.2(LPIN1):c.2590G>A (p.Val864Ile)

Gene: LPIN1 (lipin 1; plus strand). Cytogenetic location: 2p25.1.
Variant type: single nucleotide variant.
Coding change: c.2590G>A on transcript NM_001349206.2 (MANE Select); coding-DNA position 2590, G replaced by A.
Protein change: p.Val864Ile; replaces valine 864 with isoleucine.
Molecular consequence: missense variant. On other transcripts: non-coding transcript variant (1).
Genome position (GRCh38, 1-based): chr2:11,820,483, G>A. VCF-style: chr2-11820483-G-A. GRCh37 (hg19) VCF-style: chr2-11960609-G-A.
Other names: c.2500G>A, p.Val834Ile (NM_001261427.3); c.2737G>A, p.Val913Ile (NM_001261428.3); c.2482G>A, p.Val828Ile (NM_001349199.2, NM_145693.4); c.2560G>A, p.Val854Ile (NM_001349200.2, NM_001349201.2); c.2587G>A, p.Val863Ile (NM_001349202.2, NM_001349203.2); c.2590G>A, p.Val864Ile (NM_001349204.2, NM_001349205.2); c.2680G>A, p.Val894Ile (NM_001349207.2); c.2629G>A, p.Val877Ile (NM_001349208.2); short protein forms V828I, V864I, V913I, V854I, V877I, V894I, V834I, V863I.
Identifiers: ClinVar variation 1933173 (VCV001933173.5), dbSNP rs2546268001, ClinGen allele CA345860430.
Genomic context (GRCh38, chr2:11,820,483, plus strand): 5'-TACAAGCAAGTAGGAGTGTCTTTGAATAGAATATTTACCGTCAACCCTAAAGGAGAGCTG[G>A]TACAGGAACATGCAAAGACCAACATCTCTTCGTGAGTATTGTACACATTTTATGTGATTA-3'
Protein context (NP_001336135.1, residues 854-874): IFTVNPKGEL[Val864Ile]QEHAKTNISS

ClinVar aggregate classification (germline): Uncertain significance (1 of 4 stars; one submission).

Submission:

Labcorp Genetics (formerly Invitae), Labcorp
Classification: Uncertain significance. Last evaluated: 2021-12-17. Review status: criteria provided, single submitter. Criteria: Invitae Variant Classification Sherloc (09022015). Collection method: clinical testing. Allele origin: germline.
Comment: This variant has not been reported in the literature in individuals affected with LPIN1-related conditions. This variant is not present in population databases (gnomAD no frequency). This sequence change replaces valine, which is neutral and non-polar, with isoleucine, which is neutral and non-polar, at codon 828 of the LPIN1 protein (p.Val828Ile). Algorithms developed to predict the effect of missense changes on protein structure and function (SIFT, PolyPhen-2, Align-GVGD) all suggest that this variant is likely to be tolerated. In summary, the available evidence is currently insufficient to determine the role of this variant in disease. Therefore, it has been classified as a Variant of Uncertain Significance.